The following is an entry in ClinVar:

ClinVar aggregate classification (germline): Uncertain significance (1 of 4 stars; one submission).

Submission:

Ambry Genetics
Classification: Uncertain significance. Last evaluated: 2024-04-24. Review status: criteria provided, single submitter. Criteria: Ambry Variant Classification Scheme 2023. Collection method: clinical testing. Allele origin: germline.
Comment: The p.T1489S variant (also known as c.4466C>G), located in coding exon 4 of the ALPK2 gene, results from a C to G substitution at nucleotide position 4466. The threonine at codon 1489 is replaced by serine, an amino acid with similar properties. This amino acid position is conserved. In addition, this alteration is predicted to be tolerated by in silico analysis. Since supporting evidence is limited at this time, the clinical significance of this alteration remains unclear.

NM_052947.4(ALPK2):c.4466C>G (p.Thr1489Ser)

Genes: ALPK2 (alpha kinase 2; minus strand), LOC126862764 (BRD4-independent group 4 enhancer GRCh37_chr18:56202574-56203773; plus strand). Cytogenetic location: 18q21.31.
Variant type: single nucleotide variant.
Coding change: c.4466C>G on transcript NM_052947.4 (MANE Select); coding-DNA position 4466, C replaced by G.
Protein change: p.Thr1489Ser; replaces threonine 1489 with serine.
Molecular consequence: missense variant.
Genome position (GRCh38, 1-based): chr18:58,535,721, G>C on the plus strand (C>G on the coding strand, the complement: ALPK2 is on the minus strand). VCF-style: chr18-58535721-G-C. GRCh37 (hg19) VCF-style: chr18-56202953-G-C.
Other names: short protein forms T1489S.
Identifiers: ClinVar variation 1740795 (VCV001740795.3), dbSNP rs2518874688, ClinGen allele CA402562311.